The following is an entry in ClinVar:

ClinVar aggregate classification (germline): Uncertain significance (1 of 4 stars; one submission).

Submission:

Labcorp Genetics (formerly Invitae), Labcorp
Classification: Uncertain significance. Last evaluated: 2022-07-01. Review status: criteria provided, single submitter. Criteria: Invitae Variant Classification Sherloc (09022015). Collection method: clinical testing. Allele origin: germline.
Comment: This sequence change creates a premature translational stop signal (p.Trp122*) in the THBD gene. While this is not anticipated to result in nonsense mediated decay, it is expected to disrupt the last 454 amino acid(s) of the THBD protein. This variant is not present in population databases (gnomAD no frequency). This variant has not been reported in the literature in individuals affected with THBD-related conditions. Experimental studies and prediction algorithms are not available or were not evaluated, and the functional significance of this variant is currently unknown. In summary, the available evidence is currently insufficient to determine the role of this variant in disease. Therefore, it has been classified as a Variant of Uncertain Significance.

NM_000361.3(THBD):c.366G>A (p.Trp122Ter)

Gene: THBD (thrombomodulin; minus strand). Cytogenetic location: 20p11.21.
Variant type: single nucleotide variant.
Coding change: c.366G>A on transcript NM_000361.3 (MANE Select); coding-DNA position 366, G replaced by A.
Protein change: p.Trp122Ter; replaces tryptophan 122 with a stop codon.
Molecular consequence: nonsense.
Genome position (GRCh38, 1-based): chr20:23,049,139, C>T on the plus strand (G>A on the coding strand, the complement: THBD is on the minus strand). VCF-style: chr20-23049139-C-T. GRCh37 (hg19) VCF-style: chr20-23029776-C-T.
Other names: short protein forms W122*.
Identifiers: ClinVar variation 2117707 (VCV002117707.1), dbSNP rs2515205495, ClinGen allele CA408407835.